The following is an entry in ClinVar:

ClinVar aggregate classification (germline): Pathogenic (1 of 4 stars; one submission).

Conditions:
Wilson disease (WND). Also called: Wilson's disease. Identifiers: Orphanet 905, MedGen C0019202, MONDO:0010200, OMIM 277900. Disease mechanism: loss of function.

Submission:

Labcorp Genetics (formerly Invitae), Labcorp
Classification: Pathogenic for Wilson disease. Last evaluated: 2025-03-05. Review status: criteria provided, single submitter. Criteria: Invitae Variant Classification Sherloc (09022015). Collection method: clinical testing. Allele origin: germline.
Comment: This sequence change creates a premature translational stop signal (p.His1126Glnfs*22) in the ATP7B gene. It is expected to result in an absent or disrupted protein product. Loss-of-function variants in ATP7B are known to be pathogenic (PMID: 10441329, 16283883). This variant is not present in population databases (gnomAD no frequency). This variant has not been reported in the literature in individuals affected with ATP7B-related conditions. For these reasons, this variant has been classified as Pathogenic.

Literature cited by the submitters: PubMed 10441329; PubMed 16283883.

NM_000053.4(ATP7B):c.3378_3391del (p.His1126fs)

Gene: ATP7B (ATPase copper transporting beta; minus strand). Cytogenetic location: 13q14.3.
Variant type: Deletion.
Coding change: c.3378_3391del on transcript NM_000053.4 (MANE Select); coding-DNA positions 3378 to 3391, 14 bases deleted (CCTGAATGAGGCTG).
Protein change: p.His1126fs; shifts the reading frame from histidine 1126.
Molecular consequence: frameshift variant.
Genome position (GRCh38, 1-based): chr13:51,942,407-51,942,420, CAGCCTCATTCAGG deleted on the plus strand (CCTGAATGAGGCTG on the coding strand, the reverse complement: ATP7B is on the minus strand). VCF-style (leftmost placement, unchanged base first): chr13-51942406-CCAGCCTCATTCAGG-C. GRCh37 (hg19) VCF-style: chr13-52516542-CCAGCCTCATTCAGG-C.
Other names: c.2757_2770del, p.His919fs (NM_001005918.3); c.3045_3058del, p.His1015fs (NM_001243182.2); c.3144_3157del, p.His1048fs (NM_001330578.2, NM_001406538.1, NM_001406527.1 and 1 more transcripts); c.3126_3139del, p.His1042fs (NM_001330579.2, NM_001406531.1, NM_001406532.1); c.3378_3391del, p.His1126fs (NM_001406511.1, NM_001406512.1, NM_001406526.1); c.2931_2944del, p.His977fs (NM_001406540.1); c.2892_2905del, p.His964fs (NM_001406541.1, NM_001406542.1); c.3030_3043del, p.His1010fs (NM_001406543.1); and 19 more; short protein forms H1015fs, H1042fs, H1046fs, H1065fs, H1108fs, H1124fs, H1126fs, H845fs.
Identifiers: ClinVar variation 4714483 (VCV004714483.1).